The following is an entry in ClinVar:

NM_005609.4(PYGM):c.1768C>T (p.Arg590Cys)

Gene: PYGM (glycogen phosphorylase, muscle associated; minus strand). Cytogenetic location: 11q13.1.
Variant type: single nucleotide variant.
Coding change: c.1768C>T on transcript NM_005609.4 (MANE Select); coding-DNA position 1768, C replaced by T.
Protein change: p.Arg590Cys; replaces arginine 590 with cysteine.
Molecular consequence: missense variant.
Genome position (GRCh38, 1-based): chr11:64,751,924, G>A on the plus strand (C>T on the coding strand, the complement: PYGM is on the minus strand). VCF-style: chr11-64751924-G-A. GRCh37 (hg19) VCF-style: chr11-64519396-G-A.
Other names: c.1504C>T, p.Arg502Cys (NM_001164716.1); short protein forms R502C, R590C.
Identifiers: ClinVar variation 1306714 (VCV001306714.3), dbSNP rs368545367, ClinGen allele CA6079761.
Genomic context (GRCh38, chr11:64,751,924, plus strand): 5'-TACTATGCCGCAGGAACACGGGGGAGCACTGAGAGACAGGGTAGAGTGGCTGCCACTCAC[G>A]GTTGTACAGGGTGATGACATGGAGGCAGTTGAGGAGCTGTCGTTTATATTCGTGAATCCG-3'
Protein context (NP_005600.1, residues 580-600): NCLHVITLYN[Arg590Cys]IKREPNKFFV

ClinVar aggregate classification (germline): Uncertain significance. Review status: criteria provided, multiple submitters, no conflicts (2 of 4 stars). 2 submissions from 2 submitters: Uncertain significance (2). Last evaluated 2026-06-17.

Conditions:
Glycogen storage disease, type V (GSD5). Also called: MCARDLE DISEASE; MUSCLE GLYCOGEN PHOSPHORYLASE DEFICIENCY; MYOPHOSPHORYLASE DEFICIENCY; PYGM DEFICIENCY; McArdle type glycogen storage disease. Identifiers: Orphanet 368, MedGen C0017924, MONDO:0009293, OMIM 232600.

Allele frequency attached by ClinVar (database versions not stated): gnomAD exomes below 0.00001; TOPMed below 0.00001; ExAC 0.00001; gnomAD 0.00001; ESP Exome Variant Server 0.00008.
gnomAD v4.1: 7 of 1,614,062 alleles (0.00043%); highest among the groups gnomAD compares: African/African-American, 0.0013%; no homozygotes.

Submissions (2):

Myriad Genetics, Inc.
Classification: Uncertain significance for Glycogen storage disease, type V. Last evaluated: 2026-06-17. Review status: criteria provided, single submitter. Criteria: Myriad Autosomal Dominant, Autosomal Recessive and X-Linked Classification Criteria (2023). Collection method: clinical testing. Allele origin: unknown.
Comment: NM_005609.2(PYGM):c.1768C>T(R590C) is a missense variant classified as a variant of uncertain significance in the context of glycogen storage disease, PYGM-related. R590C has not been observed in cases with relevant disease. Relevant functional assessments of this variant are not available in the literature. R590C has been observed in referenced population frequency databases. In summary, there is insufficient evidence to classify NM_005609.2(PYGM):c.1768C>T(R590C) as pathogenic or benign. Please note: this variant was assessed in the context of healthy population screening.

GeneDx
Classification: Uncertain significance. Last evaluated: 2019-06-25. Review status: criteria provided, single submitter. Criteria: GeneDx Variant Classification Process June 2021. Collection method: clinical testing. Allele origin: germline. Affected: yes.
Comment: Not observed at a significant frequency in large population cohorts (Lek et al., 2016); In silico analysis, which includes protein predictors and evolutionary conservation, supports a deleterious effect; Has not been previously published as pathogenic or benign to our knowledge